The following is an entry in ClinVar:

ClinVar aggregate classification (germline): Uncertain significance. Review status: criteria provided, multiple submitters, no conflicts (2 of 4 stars). 3 submissions from 3 submitters: Uncertain significance (2). 1 of the submissions does not count toward it. Last evaluated 2025-11-12.

Conditions:
Retinal dystrophy. Also called: Inherited retinal dystrophy. Identifiers: Orphanet 71862, MedGen C0854723, MeSH D058499, MONDO:0019118, HP:0000556.

Allele frequency attached by ClinVar (database versions not stated): gnomAD exomes below 0.00001 and 0.00001; ExAC 0.00001.

Submissions (3):

Labcorp Genetics (formerly Invitae), Labcorp
Classification: Uncertain significance. Last evaluated: 2025-11-12. Review status: criteria provided, single submitter. Criteria: Invitae Variant Classification Sherloc (09022015). Collection method: clinical testing. Allele origin: germline.
Comment: This sequence change creates a premature translational stop signal (p.Ser392Phefs*49) in the ZNF408 gene. While this is not anticipated to result in nonsense mediated decay, it is expected to disrupt the last 329 amino acid(s) of the ZNF408 protein. This variant is present in population databases (rs776541148, gnomAD 0.003%). This variant has not been reported in the literature in individuals affected with ZNF408-related conditions. ClinVar contains an entry for this variant (Variation ID: 1408888). Experimental studies and prediction algorithms are not available or were not evaluated, and the functional significance of this variant is currently unknown. In summary, the available evidence is currently insufficient to determine the role of this variant in disease. Therefore, it has been classified as a Variant of Uncertain Significance.

GeneDx
Classification: Uncertain significance. Last evaluated: 2025-05-15. Review status: criteria provided, single submitter. Criteria: GeneDx Variant Classification Process June 2021. Collection method: clinical testing. Allele origin: germline. Affected: yes.
Comment: Not observed at significant frequency in large population cohorts (gnomAD); Frameshift variant predicted to result in abnormal protein length as the last 329 amino acids are replaced with 48 different amino acids; Reported previously in an unaffected individual; however, no further information was provided (PMID: 31964843); This variant is associated with the following publications: (PMID: 31964843)

Institute of Human Genetics, Univ. Regensburg, Univ. Regensburg
Classification: Pathogenic for Retinal dystrophy. Last evaluated: 2023-01-01. Review status: no assertion criteria provided. Criteria: ACMG Guidelines, 2015. Collection method: clinical testing. Allele origin: germline. Affected: yes. Not counted in ClinVar's aggregate classification.

NM_024741.3(ZNF408):c.1174dup (p.Ser392fs)

Gene: ZNF408 (zinc finger protein 408; plus strand). Cytogenetic location: 11p11.2.
Variant type: Duplication.
Coding change: c.1174dup on transcript NM_024741.3 (MANE Select); coding-DNA position 1174, one base duplicated (T; older notation c.1174dupT).
Protein change: p.Ser392fs; shifts the reading frame from serine 392.
Molecular consequence: frameshift variant.
Genome position (GRCh38, 1-based): chr11:46,704,874, T duplicated. VCF-style (leftmost placement, unchanged base first): chr11-46704873-C-CT. GRCh37 (hg19) VCF-style: chr11-46726423-C-CT.
Other names: c.1174dup (NM_024741.2); c.1150dup, p.Ser384fs (NM_001184751.2); short protein forms S384fs, S392fs.
Identifiers: ClinVar variation 1408888 (VCV001408888.8), dbSNP rs776541148, ClinGen allele CA5966509.